The following is an entry in ClinVar:

ClinVar aggregate classification (germline): Benign (1 of 4 stars; one submission).

Conditions:
Huntington disease (HD). Also called: Huntington's chorea; Huntington's disease; HUNTINGTON CHOREA. Identifiers: Orphanet 248111, Orphanet 399, MedGen C0020179, MONDO:0007739, OMIM 143100.

Submission:

Department Of Human Genetics, Institute Of Clinical And Translational Research, Biomedical Research Center, Slovak Academy Of Sciences
Classification: Benign for Huntington disease. Last evaluated: 2026-09-23. Review status: criteria provided, single submitter. Criteria: ACMG Guidelines for Huntington disease, 2014. Collection method: research. Allele origin: germline. Inheritance: Autosomal dominant inheritance.
Comment: The NC_000004.12.g.3074878_3074940AGC[9]AAC[1]AGC[1] allele represents a complex trinucleotide repeat sequence in the HTT (huntingtin) gene. The repeat tract consists of 9 consecutive AGC repeats, followed by one AAC repeat and one additional AGC repeat. This sequence corresponds to 9 uninterrupted glutamine-encoding units or 11 interrupted glutamine-encoding repeat units (this count the AAC interruption and the additional AGC to the total number of repeats on the DNA level, while all resulting in glutamine residues at the protein level). Huntington disease (HD) is an autosomal dominant neurodegenerative disorder caused by an expansion of the CAG trinucleotide repeat in exon 1 of the HTT gene. HTT alleles containing 26 or fewer CAG repeats are considered within the normal range, whereas alleles containing 27–35 repeats are classified as intermediate/premutation, 36-39 repeats as reduced-penetrance pathogenic alleles, and 40 or more repeats as full-penetrance pathogenic alleles. This allele falls into the benign range both when considering the 9 uninterrupted as well as the 11 interrupted glutamine-encoding repeats The allele reached 1.31% frequency in the general population of Slovakia (in 609 genotyped alleles).

NM_001388492.1(HTT):c.54GCA[11] (p.Gln31_Gln38del)

Genes: HTT (huntingtin; plus strand), LOC109461479 (huntingtin repeat instability region; plus strand), LOC129929027 (ATAC-STARR-seq lymphoblastoid silent region 15199; plus strand). Cytogenetic location: 4p16.3.
Variant type: Microsatellite.
Coding change: c.54GCA[11] on transcript NM_001388492.1 (MANE Select); 11 copies in a row of the 3-base unit GCA starting at c.54.
Protein change: p.Gln31_Gln38del.
Molecular consequence: inframe deletion.
Genome position: GRCh38 VCF-style: chr4-3074876-CCAGCAGCAGCAGCAGCAGCAGCAGCAGCAG-C. GRCh37 (hg19) VCF-style: chr4-3076603-CCAGCAGCAGCAGCAGCAGCAGCAGCAGCAG-C.
Other names: c.54GCA[11], p.Gln31_Gln40del (NM_002111.8).
Identifiers: ClinVar variation 5042744 (VCV005042744.1).